The following is an entry in ClinVar:

NM_031844.3(HNRNPU):c.1617G>A (p.Val539=)

Gene: HNRNPU (heterogeneous nuclear ribonucleoprotein U; minus strand). Cytogenetic location: 1q44.
Variant type: single nucleotide variant.
Coding change: c.1617G>A on transcript NM_031844.3 (MANE Select); coding-DNA position 1617, G replaced by A.
Protein change: p.Val539=; no amino-acid change (valine 539 retained).
Molecular consequence: synonymous variant.
Genome position (GRCh38, 1-based): chr1:244,856,854, C>T on the plus strand (G>A on the coding strand, the complement: HNRNPU is on the minus strand). VCF-style: chr1-244856854-C-T. GRCh37 (hg19) VCF-style: chr1-245020156-C-T.
Other names: c.1560G>A, p.Val520= (NM_004501.3).
Identifiers: ClinVar variation 3897412 (VCV003897412.1).

ClinVar aggregate classification (germline): Uncertain significance (1 of 4 stars; one submission).

Submission:

GeneDx
Classification: Uncertain significance. Last evaluated: 2024-11-01. Review status: criteria provided, single submitter. Criteria: GeneDx Variant Classification Process June 2021. Collection method: clinical testing. Allele origin: germline. Affected: yes.
Comment: Not observed at significant frequency in large population cohorts (gnomAD); Has not been previously published as pathogenic or benign to our knowledge; In silico analysis suggests this variant may impact gene splicing. In the absence of RNA/functional studies, the actual effect of this sequence change is unknown.